The following is an entry in ClinVar:

ClinVar aggregate classification (germline): Benign/Likely benign. Review status: criteria provided, multiple submitters, no conflicts (2 of 4 stars). 6 submissions from 4 submitters: Benign (3); Likely benign (3). Last evaluated 2026-02-03.

Conditions:
Budd-Chiari syndrome (BDCHS). Also called: Hepatic vein obstruction. Identifiers: Orphanet 131, MedGen C0856761, MONDO:0010947, OMIM 600880, HP:0002639.
Factor V deficiency. Also called: Reduced coagulation factor V activity. Identifiers: Orphanet 326, MedGen C4317320, MONDO:0020586, HP:0003225.
Thrombophilia due to thrombin defect (THPH1). Also called: Thrombosis susceptibility; THROMBOPHILIA DUE TO FACTOR 2 DEFECT; Prothrombin-Related Thrombophilia (Factor II); Prothrombin Thrombophilia. Identifiers: MedGen C3160733, MONDO:0008559, OMIM 188050. Disease mechanism: gain of function, loss of function.
Congenital factor V deficiency. Also called: Hereditary factor V deficiency disease; LABILE FACTOR DEFICIENCY; PARAHEMOPHILIA; OWREN PARAHEMOPHILIA. Identifiers: Orphanet 326, MedGen C0015499, MONDO:0009210, OMIM 227400.

Allele frequency attached by ClinVar (database versions not stated): 1000 Genomes Project 0.00579; 1000 Genomes Project 30x 0.00609; TOPMed 0.01090; ESP Exome Variant Server 0.01230; gnomAD 0.01251 and 0.01344; ExAC 0.01285; gnomAD exomes 0.01357 and 0.01500.
gnomAD v4.1: 23,689 of 1,600,770 alleles (1.5%); highest among the groups gnomAD compares: Non-Finnish European, 1.6%; 239 homozygotes.

Submissions (6):

Labcorp Genetics (formerly Invitae), Labcorp
Classification: Benign for Congenital factor V deficiency. Last evaluated: 2026-02-03. Review status: criteria provided, single submitter. Criteria: Invitae Variant Classification Sherloc (09022015). Collection method: clinical testing. Allele origin: germline.

Mayo Clinic Laboratories, Mayo Clinic
Classification: Benign. Last evaluated: 2022-11-17. Review status: criteria provided, single submitter. Criteria: ACMG Guidelines, 2015. Collection method: clinical testing. Allele origin: germline. Observed: 9 variant alleles.
Comment: BS1, BS2, BP4

Illumina Laboratory Services, Illumina
Classification: Likely benign for Budd-Chiari syndrome. Last evaluated: 2018-03-06. Review status: criteria provided, single submitter. Criteria: ICSL Variant Classification Criteria 13 December 2019. Collection method: clinical testing. Allele origin: germline.
Comment: This variant was observed in the ICSL laboratory as part of a predisposition screen in an ostensibly healthy population. It had not been previously curated by ICSL or reported in the Human Gene Mutation Database (HGMD: prior to June 1st, 2018), and was therefore a candidate for classification through an automated scoring system. Utilizing variant allele frequency, disease prevalence and penetrance estimates, and inheritance mode, an automated score was calculated to assess if this variant is too frequent to cause the disease. Based on the score and internal cut-off values, a variant classified as likely benign is not then subjected to further curation. The score for this variant resulted in a classification of likely benign for this disease.

Illumina Laboratory Services, Illumina
Classification: Likely benign for Venous thrombosis. Last evaluated: 2018-03-06. Review status: criteria provided, single submitter. Criteria: ICSL Variant Classification Criteria 13 December 2019. Collection method: clinical testing. Allele origin: germline.
Comment: the same text as in the submission from Illumina Laboratory Services, Illumina above.

Illumina Laboratory Services, Illumina
Classification: Benign for Congenital factor V deficiency. Last evaluated: 2018-03-06. Review status: criteria provided, single submitter. Criteria: ICSL Variant Classification Criteria 13 December 2019. Collection method: clinical testing. Allele origin: germline.
Comment: This variant was observed in the ICSL laboratory as part of a predisposition screen in an ostensibly healthy population. It had not been previously curated by ICSL or reported in the Human Gene Mutation Database (HGMD: prior to June 1st, 2018), and was therefore a candidate for classification through an automated scoring system. Utilizing variant allele frequency, disease prevalence and penetrance estimates, and inheritance mode, an automated score was calculated to assess if this variant is too frequent to cause the disease. Based on the score and internal cut-off values, a variant classified as benign is not then subjected to further curation. The score for this variant resulted in a classification of benign for this disease.

Breakthrough Genomics
Classification: Likely benign. Review status: criteria provided, single submitter. Criteria: ACMG Guidelines, 2015. Collection method: not provided. Allele origin: germline. Inheritance: Autosomal recessive inheritance. Affected: yes.

NM_000130.5(F5):c.2743A>T (p.Thr915Ser)

Gene: F5 (coagulation factor V; minus strand). Cytogenetic location: 1q24.2.
Variant type: single nucleotide variant.
Coding change: c.2743A>T on transcript NM_000130.5 (MANE Select); coding-DNA position 2743, A replaced by T.
Protein change: p.Thr915Ser; replaces threonine 915 with serine.
Molecular consequence: missense variant.
Genome position (GRCh38, 1-based): chr1:169,542,347, T>A on the plus strand (A>T on the coding strand, the complement: F5 is on the minus strand). VCF-style: chr1-169542347-T-A. GRCh37 (hg19) VCF-style: chr1-169511585-T-A.
Other names: short protein forms T915S.
Identifiers: ClinVar variation 293619 (VCV000293619.11), dbSNP rs9332695, ClinGen allele CA1234040.
Genomic context (GRCh38, chr1:169,542,347, plus strand): 5'-TTAAGAGTAACAGATCACTAGGAGGGTCCTTCCAGGGCCTCATTCTGGAAGGAGAACCAG[T>A]GTCTTGGCTAGGAAGGTCCTCCCAGGGCCTCATTCCGGAAGGAGAACCAGTGTCTTGGCT-3'
Protein context (NP_000121.2, residues 905-925): RPWEDLPSQD[Thr915Ser]GSPSRMRPWK